The following is an entry in ClinVar:

ClinVar aggregate classification (germline): Likely benign. Review status: criteria provided, multiple submitters, no conflicts (2 of 4 stars). 2 submissions from 2 submitters: Likely benign (2). Last evaluated 2026-05-27.

Conditions:
PPOX-related disorder. Also called: PPOX-related condition.

Allele frequency attached by ClinVar (database versions not stated): gnomAD 0.00002; ExAC 0.00024.
gnomAD v4.1: 128 of 1,613,286 alleles (0.0079%); highest among the groups gnomAD compares: South Asian, 0.12%; 1 homozygote.

Submissions (2):

PreventionGenetics, part of Exact Sciences
Classification: Likely benign for PPOX-related condition. Last evaluated: 2026-05-27. Review status: criteria provided, single submitter. Criteria: ACMG Guidelines, 2015. Collection method: clinical testing. Allele origin: germline.
Comment: This variant is classified as likely benign based on ACMG/AMP sequence variant interpretation guidelines (Richards et al. 2015 PMID: 25741868, with internal and published modifications).

Labcorp Genetics (formerly Invitae), Labcorp
Classification: Likely benign. Last evaluated: 2022-07-25. Review status: criteria provided, single submitter. Criteria: Invitae Variant Classification Sherloc (09022015). Collection method: clinical testing. Allele origin: germline.

NM_001122764.3(PPOX):c.1421A>G (p.Glu474Gly)

Gene: PPOX (protoporphyrinogen oxidase; plus strand). Cytogenetic location: 1q23.3.
Variant type: single nucleotide variant.
Coding change: c.1421A>G on transcript NM_001122764.3 (MANE Select); coding-DNA position 1421, A replaced by G.
Protein change: p.Glu474Gly; replaces glutamic acid 474 with glycine.
Molecular consequence: missense variant.
Genome position (GRCh38, 1-based): chr1:161,171,163, A>G. VCF-style: chr1-161171163-A-G. GRCh37 (hg19) VCF-style: chr1-161140953-A-G.
Other names: c.1421A>G, p.Glu474Gly (NM_000309.5, NM_001365398.1); c.1322A>G, p.Glu441Gly (NM_001350128.2); c.1013A>G, p.Glu338Gly (NM_001350129.2, NM_001365400.1); c.935A>G, p.Glu312Gly (NM_001350130.2, NM_001350131.2, NM_001365401.1); c.1310A>G, p.Glu437Gly (NM_001365399.1); c.1421A>G (NM_000309.3); short protein forms E441G, E437G, E312G, E338G, E474G.
Identifiers: ClinVar variation 2190445 (VCV002190445.5), dbSNP rs202103290, ClinGen allele CA1207442.
Genomic context (GRCh38, chr1:161,171,163, plus strand): 5'-TTGCTGTTAATGACTGTATAGAGAGTGGGCGCCAGGCAGCAGTCAGTGTCCTGGGCACAG[A>G]ACCTAACAGCTGATCCCCAACTCTCATTCATGAAAATAAAAATTGCTGGAGCTTGGCTTG-3'
Protein context (NP_001116236.1, residues 464-477): RQAAVSVLGT[Glu474Gly]PNS